The following is an entry in ClinVar:

ClinVar aggregate classification (germline): Uncertain significance. Review status: criteria provided, multiple submitters, no conflicts (2 of 4 stars). 3 submissions from 3 submitters: Uncertain significance (3). Last evaluated 2025-05-27.

Conditions:
Inborn genetic diseases. Identifiers: MedGen C0950123, MeSH D030342.
Fanconi anemia (FA). Also called: Fanconi's anemia. Identifiers: Orphanet 84, MedGen C0015625, MeSH D005199, MONDO:0019391.
Fanconi anemia complementation group A (FANCA). Also called: Fanconi anemia, group A; FANCA-Related Fanconi Anemia. Identifiers: Orphanet 84, MedGen C3469521, MONDO:0009215, OMIM 227650.

Submissions (3):

Ambry Genetics
Classification: Uncertain significance for Inborn genetic diseases. Last evaluated: 2025-05-27. Review status: criteria provided, single submitter. Criteria: Ambry Variant Classification Scheme 2023. Collection method: clinical testing. Allele origin: germline.
Comment: The p.S1019Y variant (also known as c.3056C>A), located in coding exon 31 of the FANCA gene, results from a C to A substitution at nucleotide position 3056. The serine at codon 1019 is replaced by tyrosine, an amino acid with dissimilar properties. This amino acid position is conserved. In addition, the in silico prediction for this alteration is inconclusive. Based on the available evidence, the clinical significance of this variant remains unclear.

St. Jude Molecular Pathology, St. Jude Children's Research Hospital
Classification: Uncertain significance for Fanconi anemia complementation group A. Last evaluated: 2024-05-02. Review status: criteria provided, single submitter. Criteria: St. Jude Assertion Criteria 2020. Collection method: clinical testing. Allele origin: germline.
Comment: The FANCA c.3056C>A (p.Ser1019Tyr) missense change is absent in gnomAD v2.1.1. The in silico tool REVEL is inconclusive about a pathogenic or benign effect of this variant on protein function, and to our knowledge functional studies have not been performed. To our knowledge, this variant has not been reported in individuals with Fanconi anemia. In summary, the evidence currently available is insufficient to determine the clinical significance of this variant. It has therefore been classified as of uncertain significance.

Labcorp Genetics (formerly Invitae), Labcorp
Classification: Uncertain significance for Fanconi anemia. Last evaluated: 2021-09-01. Review status: criteria provided, single submitter. Criteria: Invitae Variant Classification Sherloc (09022015). Collection method: clinical testing. Allele origin: germline.
Comment: This sequence change replaces serine with tyrosine at codon 1019 of the FANCA protein (p.Ser1019Tyr). The serine residue is highly conserved and there is a large physicochemical difference between serine and tyrosine. This variant is not present in population databases (ExAC no frequency). This variant has not been reported in the literature in individuals affected with FANCA-related conditions. Algorithms developed to predict the effect of missense changes on protein structure and function are either unavailable or do not agree on the potential impact of this missense change (SIFT: "Deleterious"; PolyPhen-2: "Possibly Damaging"; Align-GVGD: "Class C15"). In summary, the available evidence is currently insufficient to determine the role of this variant in disease. Therefore, it has been classified as a Variant of Uncertain Significance.

NM_000135.4(FANCA):c.3056C>A (p.Ser1019Tyr)

Gene: FANCA (FA complementation group A; minus strand). Cytogenetic location: 16q24.3.
Variant type: single nucleotide variant.
Coding change: c.3056C>A on transcript NM_000135.4 (MANE Select); coding-DNA position 3056, C replaced by A.
Protein change: p.Ser1019Tyr; replaces serine 1019 with tyrosine.
Molecular consequence: missense variant.
Genome position (GRCh38, 1-based): chr16:89,752,148, G>T on the plus strand (C>A on the coding strand, the complement: FANCA is on the minus strand). VCF-style: chr16-89752148-G-T. GRCh37 (hg19) VCF-style: chr16-89818556-G-T.
Other names: c.3056C>A (NM_000135.2); c.3056C>A, p.Ser1019Tyr (NM_001286167.3); short protein forms S1019Y.
Identifiers: ClinVar variation 1000629 (VCV001000629.8), dbSNP rs762111755, ClinGen allele CA397425942.
Genomic context (GRCh38, chr16:89,752,148, plus strand): 5'-CGCGGCTTAAATGAAGTGAATGCACTGAGTTGTGGCACCCTCAAACTCACCTGCAATCTG[G>T]AAATAATATCCTCATTTCCTGTGCGGCCACCAAAGACCAAATCAGAATTTTCTGAGTGGT-3'
Protein context (NP_000126.2, residues 1009-1029): GGRTGNEDII[Ser1019Tyr]RLQEMVADLE